The following is an entry in ClinVar:

NM_024675.4(PALB2):c.2501A>G (p.His834Arg)

Gene: PALB2 (partner and localizer of BRCA2; minus strand). Cytogenetic location: 16p12.2.
Variant type: single nucleotide variant.
Coding change: c.2501A>G on transcript NM_024675.4 (MANE Select); coding-DNA position 2501, A replaced by G.
Protein change: p.His834Arg; replaces histidine 834 with arginine.
Molecular consequence: missense variant.
Genome position (GRCh38, 1-based): chr16:23,629,653, T>C on the plus strand (A>G on the coding strand, the complement: PALB2 is on the minus strand). VCF-style: chr16-23629653-T-C. GRCh37 (hg19) VCF-style: chr16-23640974-T-C.
Other names: c.2501A>G (NM_024675.3); short protein forms H834R.
Identifiers: ClinVar variation 1035885 (VCV001035885.11), dbSNP rs1966855645, ClinGen allele CA395123960.

ClinVar aggregate classification (germline): Uncertain significance. Review status: criteria provided, multiple submitters, no conflicts (2 of 4 stars). 2 submissions from 2 submitters: Uncertain significance (2). Last evaluated 2023-04-28.

Conditions:
Hereditary cancer-predisposing syndrome. Also called: Neoplastic Syndromes, Hereditary; Hereditary Cancer Syndrome; Tumor predisposition; Hereditary neoplastic syndrome. Identifiers: Orphanet 140162, MedGen C0027672, MeSH D009386, MONDO:0015356.
Familial cancer of breast. Also called: hereditary breast carcinoma; Hereditary breast cancer; BREAST CANCER, FAMILIAL. Identifiers: Orphanet 227535, MedGen C0346153, MONDO:0016419, OMIM 114480. Disease mechanism: loss of function.

Allele frequency attached by ClinVar (database versions not stated): gnomAD exomes below 0.00001.
gnomAD v4.1: 1 of 1,614,132 alleles (0.000062%); highest among the groups gnomAD compares: Non-Finnish European, 0.000085%; no homozygotes.

Submissions (2):

Labcorp Genetics (formerly Invitae), Labcorp
Classification: Uncertain significance for Familial cancer of breast. Last evaluated: 2023-04-28. Review status: criteria provided, single submitter. Criteria: Invitae Variant Classification Sherloc (09022015). Collection method: clinical testing. Allele origin: germline.
Comment: This sequence change replaces histidine, which is basic and polar, with arginine, which is basic and polar, at codon 834 of the PALB2 protein (p.His834Arg). This variant is not present in population databases (gnomAD no frequency). This variant has not been reported in the literature in individuals affected with PALB2-related conditions. ClinVar contains an entry for this variant (Variation ID: 1035885). Advanced modeling of protein sequence and biophysical properties (such as structural, functional, and spatial information, amino acid conservation, physicochemical variation, residue mobility, and thermodynamic stability) performed at Invitae indicates that this missense variant is not expected to disrupt PALB2 protein function. In summary, the available evidence is currently insufficient to determine the role of this variant in disease. Therefore, it has been classified as a Variant of Uncertain Significance.

Ambry Genetics
Classification: Uncertain significance for Hereditary cancer-predisposing syndrome. Last evaluated: 2022-12-23. Review status: criteria provided, single submitter. Criteria: Ambry Variant Classification Scheme 2023. Collection method: clinical testing. Allele origin: germline.
Comment: The p.H834R variant (also known as c.2501A>G), located in coding exon 5 of the PALB2 gene, results from an A to G substitution at nucleotide position 2501. The histidine at codon 834 is replaced by arginine, an amino acid with highly similar properties. This amino acid position is conserved. In addition, this alteration is predicted to be tolerated by in silico analysis. Since supporting evidence is limited at this time, the clinical significance of this alteration remains unclear.